The following is an entry in ClinVar:

NM_001374353.1(GLI2):c.1829G>T (p.Ser610Ile)

Gene: GLI2 (GLI family zinc finger 2; plus strand). Cytogenetic location: 2q14.2.
Variant type: single nucleotide variant.
Coding change: c.1829G>T on transcript NM_001374353.1 (MANE Select); coding-DNA position 1829, G replaced by T.
Protein change: p.Ser610Ile; replaces serine 610 with isoleucine.
Molecular consequence: missense variant.
Genome position (GRCh38, 1-based): chr2:120,984,667, G>T. VCF-style: chr2-120984667-G-T. GRCh37 (hg19) VCF-style: chr2-121742243-G-T.
Other names: c.1454G>T, p.Ser485Ile (NM_001374354.1); c.1880G>T, p.Ser627Ile (NM_005270.5, NM_001371271.1); short protein forms S485I, S610I, S627I.
Identifiers: ClinVar variation 3751431 (VCV003751431.2).

ClinVar aggregate classification (germline): Uncertain significance (1 of 4 stars; one submission).

Conditions:
Postaxial polydactyly-anterior pituitary anomalies-facial dysmorphism syndrome. Also called: Culler-Jones syndrome. Identifiers: Orphanet 420584, MedGen C4014479, MONDO:0014369, OMIM 615849.
Holoprosencephaly 9 (HPE9). Also called: PITUITARY ANOMALIES WITH HOLOPROSENCEPHALY-LIKE FEATURES; HOLOPROSENCEPHALY WITH MICROPHTHALMIA AND FIRST BRANCHIAL ARCH ANOMALIES. Identifiers: Orphanet 2162, MedGen C1835819, MONDO:0012563, OMIM 610829.

Submission:

Labcorp Genetics (formerly Invitae), Labcorp
Classification: Uncertain significance for Postaxial polydactyly-anterior pituitary anomalies-facial dysmorphism syndrome; Holoprosencephaly 9. Last evaluated: 2024-05-12. Review status: criteria provided, single submitter. Criteria: Invitae Variant Classification Sherloc (09022015). Collection method: clinical testing. Allele origin: germline.
Comment: This sequence change replaces serine, which is neutral and polar, with isoleucine, which is neutral and non-polar, at codon 627 of the GLI2 protein (p.Ser627Ile). This variant is not present in population databases (gnomAD no frequency). This variant has not been reported in the literature in individuals affected with GLI2-related conditions. Advanced modeling of protein sequence and biophysical properties (such as structural, functional, and spatial information, amino acid conservation, physicochemical variation, residue mobility, and thermodynamic stability) performed at Invitae indicates that this missense variant is expected to disrupt GLI2 protein function with a positive predictive value of 80%. In summary, the available evidence is currently insufficient to determine the role of this variant in disease. Therefore, it has been classified as a Variant of Uncertain Significance.